The following is an entry in ClinVar:

NM_001148.6(ANK2):c.5431C>G (p.Pro1811Ala)

Genes: ANK2 (ankyrin 2; plus strand), LOC126807136 (MED14-independent group 3 enhancer GRCh37_chr4:114274931-114276130; plus strand). Cytogenetic location: 4q26.
Variant type: single nucleotide variant.
Coding change: c.5431C>G on transcript NM_001148.6 (MANE Select); coding-DNA position 5431, C replaced by G.
Protein change: p.Pro1811Ala; replaces proline 1811 with alanine.
Molecular consequence: missense variant. On other transcripts: intron variant (68).
Genome position (GRCh38, 1-based): chr4:113,354,049, C>G. VCF-style: chr4-113354049-C-G. GRCh37 (hg19) VCF-style: chr4-114275205-C-G.
Other names: c.5197C>G, p.Pro1733Ala (NM_001386142.1); c.1831C>G, p.Pro611Ala (NM_001386166.1); c.5572C>G, p.Pro1858Ala (NM_001386174.1); c.5548C>G, p.Pro1850Ala (NM_001386175.1); c.4411+3800C>G (NM_001386186.2, NM_001386148.2); c.4213+3800C>G (NM_001354269.3); c.4291+3800C>G (NM_001386187.2); c.4252+3800C>G (NM_001386147.1); and 35 more; short protein forms P1811A, P611A, P1733A, P1850A, P1858A.
Identifiers: ClinVar variation 4730304 (VCV004730304.1).

ClinVar aggregate classification (germline): Uncertain significance (1 of 4 stars; one submission).

Conditions:
Long QT syndrome (LQTS). Identifiers: MedGen C0023976, MeSH D008133, MONDO:0002442. Disease mechanism: loss of function. Inheritance: Various modes of inheritance.

gnomAD v4.1: 6 of 1,614,080 alleles (0.00037%); highest among the groups gnomAD compares: East Asian, 0.013%; no homozygotes.

Submission:

Labcorp Genetics (formerly Invitae), Labcorp
Classification: Uncertain significance for Long QT syndrome. Last evaluated: 2026-01-14. Review status: criteria provided, single submitter. Criteria: Invitae Variant Classification Sherloc (09022015). Collection method: clinical testing. Allele origin: germline.
Comment: This sequence change replaces proline, which is neutral and non-polar, with alanine, which is neutral and non-polar, at codon 1811 of the ANK2 protein (p.Pro1811Ala). This variant is present in population databases (rs200645469, gnomAD 0.03%). This missense change has been observed in individual(s) with autism (PMID: 30564305). An algorithm developed to predict the effect of missense changes on protein structure and function (PolyPhen-2) suggests that this variant is likely to be tolerated. In summary, the available evidence is currently insufficient to determine the role of this variant in disease. Therefore, it has been classified as a Variant of Uncertain Significance.

Literature cited by the submitters: PubMed 30564305.